The following is an entry in ClinVar:

ClinVar aggregate classification (germline): Uncertain significance (1 of 4 stars; one submission).

gnomAD v4.1: 8 of 1,557,400 alleles (0.00051%); highest among the groups gnomAD compares: South Asian, 0.0012%; no homozygotes.

Submission:

Labcorp Genetics (formerly Invitae), Labcorp
Classification: Uncertain significance. Last evaluated: 2021-04-04. Review status: criteria provided, single submitter. Criteria: Invitae Variant Classification Sherloc (09022015). Collection method: clinical testing. Allele origin: germline.
Comment: This variant has not been reported in the literature in individuals with SPEG-related conditions. The frequency data for this variant in the population databases is considered unreliable, as metrics indicate insufficient coverage at this position in the ExAC database. This sequence change replaces alanine with threonine at codon 796 of the SPEG protein (p.Ala796Thr). The alanine residue is highly conserved and there is a small physicochemical difference between alanine and threonine. Algorithms developed to predict the effect of missense changes on protein structure and function are either unavailable or do not agree on the potential impact of this missense change (SIFT: "Deleterious"; PolyPhen-2: "Probably Damaging"; Align-GVGD: "Class C0"). In summary, the available evidence is currently insufficient to determine the role of this variant in disease. Therefore, it has been classified as a Variant of Uncertain Significance.

NM_005876.5(SPEG):c.2386G>A (p.Ala796Thr)

Gene: SPEG (striated muscle enriched protein kinase; plus strand). Cytogenetic location: 2q35.
Variant type: single nucleotide variant.
Coding change: c.2386G>A on transcript NM_005876.5 (MANE Select); coding-DNA position 2386, G replaced by A.
Protein change: p.Ala796Thr; replaces alanine 796 with threonine.
Molecular consequence: missense variant.
Genome position (GRCh38, 1-based): chr2:219,451,753, G>A. VCF-style: chr2-219451753-G-A. GRCh37 (hg19) VCF-style: chr2-220316475-G-A.
Other names: short protein forms A796T.
Identifiers: ClinVar variation 1428430 (VCV001428430.8), dbSNP rs775824354, ClinGen allele CA66006773.